The following is an entry in ClinVar:

NM_000141.5(FGFR2):c.2302-1734A>G

Gene: FGFR2 (fibroblast growth factor receptor 2; minus strand). Cytogenetic location: 10q26.13.
Variant type: single nucleotide variant.
Coding change: c.2302-1734A>G on transcript NM_000141.5 (MANE Select); 1734 bases into the intron before coding-DNA position 2302, A replaced by G.
Molecular consequence: intron variant.
Genome position (GRCh38, 1-based): chr10:121,481,755, T>C on the plus strand (A>G on the coding strand, the complement: FGFR2 is on the minus strand). VCF-style: chr10-121481755-T-C. GRCh37 (hg19) VCF-style: chr10-123241269-T-C.
Other names: c.1966-1734A>G (NM_001144914.1); c.1951-1734A>G (NM_001144918.2); c.1951-1642A>G (NM_001441091.1); c.1957-1734A>G (NM_001441090.1, NM_001144916.2); c.2029-1734A>G (NM_001441089.1); c.2035-1734A>G (NM_023029.3); c.2032-1734A>G (NM_001441088.1); c.1954-1734A>G (NM_001144917.2); and 5 more.
Identifiers: ClinVar variation 2640886 (VCV002640886.24), dbSNP rs570099589, ClinGen allele CA214952744.

ClinVar aggregate classification (germline): Likely benign (1 of 4 stars; one submission).

Allele frequency attached by ClinVar (database versions not stated): TOPMed 0.00010; gnomAD 0.00017; gnomAD exomes 0.00017; 1000 Genomes Project 0.00040; 1000 Genomes Project 30x 0.00047.
gnomAD v4.1: 37 of 224,128 alleles (0.017%); highest among the groups gnomAD compares: South Asian, 0.31%; no homozygotes.

Submission:

CeGaT Center for Human Genetics Tuebingen
Classification: Likely benign. Last evaluated: 2023-02-01. Review status: criteria provided, single submitter. Criteria: CeGaT Center For Human Genetics Tuebingen Variant Classification Criteria Version 2. Collection method: clinical testing. Allele origin: germline. Affected: yes. Observed: 3 variant alleles.
Comment: FGFR2: BS1